The following is an entry in ClinVar:

NM_015378.4(VPS13D):c.763A>G (p.Lys255Glu)

Gene: VPS13D (vacuolar protein sorting 13 homolog D; plus strand). Cytogenetic location: 1p36.22.
Variant type: single nucleotide variant.
Coding change: c.763A>G on transcript NM_015378.4 (MANE Select); coding-DNA position 763, A replaced by G.
Protein change: p.Lys255Glu; replaces lysine 255 with glutamic acid.
Molecular consequence: missense variant.
Genome position (GRCh38, 1-based): chr1:12,256,426, A>G. VCF-style: chr1-12256426-A-G. GRCh37 (hg19) VCF-style: chr1-12316483-A-G.
Other names: c.763A>G, p.Lys255Glu (NM_018156.4); short protein forms K255E.
Identifiers: ClinVar variation 1963004 (VCV001963004.5), dbSNP rs572902328, ClinGen allele CA18025608.

ClinVar aggregate classification (germline): Uncertain significance (1 of 4 stars; one submission).

Allele frequency attached by ClinVar (database versions not stated): TOPMed below 0.00001.
gnomAD v4.1: 3 of 1,614,162 alleles (0.00019%); no homozygotes.

Submission:

Labcorp Genetics (formerly Invitae), Labcorp
Classification: Uncertain significance. Last evaluated: 2024-02-24. Review status: criteria provided, single submitter. Criteria: Invitae Variant Classification Sherloc (09022015). Collection method: clinical testing. Allele origin: germline.
Comment: This sequence change replaces lysine, which is basic and polar, with glutamic acid, which is acidic and polar, at codon 255 of the VPS13D protein (p.Lys255Glu). This variant is not present in population databases (gnomAD no frequency). This variant has not been reported in the literature in individuals affected with VPS13D-related conditions. ClinVar contains an entry for this variant (Variation ID: 1963004). Advanced modeling of protein sequence and biophysical properties (such as structural, functional, and spatial information, amino acid conservation, physicochemical variation, residue mobility, and thermodynamic stability) performed at Invitae indicates that this missense variant is not expected to disrupt VPS13D protein function with a negative predictive value of 80%. In summary, the available evidence is currently insufficient to determine the role of this variant in disease. Therefore, it has been classified as a Variant of Uncertain Significance.